The following is an entry in ClinVar:

NM_006623.4(PHGDH):c.187G>A (p.Val63Ile)

Gene: PHGDH (phosphoglycerate dehydrogenase; plus strand). Cytogenetic location: 1p12.
Variant type: single nucleotide variant.
Coding change: c.187G>A on transcript NM_006623.4 (MANE Select); coding-DNA position 187, G replaced by A.
Protein change: p.Val63Ile; replaces valine 63 with isoleucine.
Molecular consequence: missense variant.
Genome position (GRCh38, 1-based): chr1:119,721,218, G>A. VCF-style: chr1-119721218-G-A. GRCh37 (hg19) VCF-style: chr1-120263841-G-A.
Other names: short protein forms V63I.
Identifiers: ClinVar variation 1513670 (VCV001513670.7), dbSNP rs2101154843, ClinGen allele CA341416766.
Genomic context (GRCh38, chr1:119,721,218, plus strand): 5'-TTTCTGCTTCAGGACTGTGAAGGCCTTATTGTTCGCTCTGCCACCAAGGTGACCGCTGAT[G>A]TCATCAACGCAGCTGAGAAACTCCAGGTGGTGGGCAGGGCTGGCACAGGTGTGGACAATG-3'
Protein context (NP_006614.2, residues 53-73): VRSATKVTAD[Val63Ile]INAAEKLQVV

ClinVar aggregate classification (germline): Uncertain significance (1 of 4 stars; one submission).

Conditions:
PHGDH deficiency. Identifiers: Orphanet 79351, MedGen C1866174, MONDO:0011152, OMIM 601815.

Allele frequency attached by ClinVar (database versions not stated): gnomAD exomes below 0.00001.
gnomAD v4.1: 1 of 1,614,210 alleles (0.000062%); highest among the groups gnomAD compares: Non-Finnish European, 0.000085%; no homozygotes.

Submission:

Labcorp Genetics (formerly Invitae), Labcorp
Classification: Uncertain significance for PHGDH deficiency. Last evaluated: 2024-02-16. Review status: criteria provided, single submitter. Criteria: Invitae Variant Classification Sherloc (09022015). Collection method: clinical testing. Allele origin: germline.
Comment: This sequence change replaces valine, which is neutral and non-polar, with isoleucine, which is neutral and non-polar, at codon 63 of the PHGDH protein (p.Val63Ile). This variant is not present in population databases (gnomAD no frequency). This variant has not been reported in the literature in individuals affected with PHGDH-related conditions. ClinVar contains an entry for this variant (Variation ID: 1513670). Advanced modeling of protein sequence and biophysical properties (such as structural, functional, and spatial information, amino acid conservation, physicochemical variation, residue mobility, and thermodynamic stability) performed at Invitae indicates that this missense variant is expected to disrupt PHGDH protein function with a positive predictive value of 80%. In summary, the available evidence is currently insufficient to determine the role of this variant in disease. Therefore, it has been classified as a Variant of Uncertain Significance.